The following is an entry in ClinVar:

ClinVar aggregate classification (germline): Uncertain significance. Review status: reviewed by expert panel (3 of 4 stars). 2 submissions from 2 submitters: Uncertain significance (1). 1 of the submissions does not count toward it. Last evaluated 2025-08-01.

Conditions:
Malignant hyperthermia, susceptibility to, 1 (MHS1). Also called: RYR1-Related Malignant Hyperthermia Susceptibility; Malignant hyperthermia suceptibility 1; Anesthesia related hyperthermia; Malignant hyperpyrexia; Fulminating hyperpyrexia; Pharmacogenic myopathy. Identifiers: Orphanet 423, MedGen C2930980, MONDO:0007783, OMIM 145600.

Submissions (2):

ClinGen Malignant Hyperthermia Susceptibility Variant Curation Expert Panel, ClinGen
Classification: Uncertain significance for Malignant hyperthermia, susceptibility to, 1. Last evaluated: 2025-08-01. Review status: reviewed by expert panel. Criteria: ClinGen MHS ACMG Specifications V2. Collection method: curation. Allele origin: germline. Inheritance: Autosomal dominant inheritance. Study: ClinGen.
Comment: This pathogenicity assessment is relevant only for malignant hyperthermia susceptibility (MHS) inherited in an autosomal dominant pattern. Variants in RYR1 can also cause other myopathies inherited in an autosomal dominant pattern or in an autosomal recessive pattern. Some of these disorders may predispose individuals to malignant hyperthermia. RYR1 variants may also contribute to a malignant hyperthermia reaction in combination with other genetic and non-genetic factors and the clinician needs to consider such factors in making management decisions. This sequence variant predicts a substitution of aspartic acid with glycine at codon 166 of the RYR1 protein, p.(Asp166Gly). This variant was not present in a large population database (gnomAD) at the time this variant was interpreted. This variant has been reported in an individual with a personal or family history of an MH episode but without an in vitro contracture test (IVCT) or caffeine halothane contracture test (CHCT) result, this is insufficient for PS4 to be implemented. This individual also had an additional variant in RYR1 assessed as likely pathogenic, p.(Arg2163His), phase unknown (PMID:16732084). No functional studies were identified for this variant. This variant resides in a region of RYR1 considered to be a hotspot for pathogenic variants that contribute to MHS, PM1 (PMID: 21118704). A REVEL score >0.85 (0.967) supports a pathogenic status for this variant, PP3_Moderate. This variant has been classified as a Variant of Unknown Significance. Criteria implemented: PM1, PP3_Moderate.

RYR1 database
No classification provided. Review status: no classification provided. Collection method: not provided. Allele origin: unknown. Not counted in ClinVar's aggregate classification.

NM_000540.3(RYR1):c.497A>G (p.Asp166Gly)

Gene: RYR1 (ryanodine receptor 1; plus strand). Cytogenetic location: 19q13.2.
Variant type: single nucleotide variant.
Coding change: c.497A>G on transcript NM_000540.3 (MANE Select); coding-DNA position 497, A replaced by G.
Protein change: p.Asp166Gly; replaces aspartic acid 166 with glycine.
Molecular consequence: missense variant.
Genome position (GRCh38, 1-based): chr19:38,444,221, A>G. VCF-style: chr19-38444221-A-G. GRCh37 (hg19) VCF-style: chr19-38934861-A-G.
Other names: NM_000540.2(RYR1):c.497A>G; p.Asp166Gly; c.497A>G, p.Asp166Gly (NM_001042723.2); short protein forms D166G.
Identifiers: ClinVar variation 133141 (VCV000133141.4), dbSNP rs193922756, ClinGen allele CA024477.